The following is an entry in ClinVar:

ClinVar aggregate classification (germline): Conflicting classifications of pathogenicity. Review status: criteria provided, conflicting classifications (1 of 4 stars). 2 submissions from 2 submitters: Likely pathogenic (1); Uncertain significance (1).

Conditions:
Developmental and epileptic encephalopathy 111 (DEE111). Identifiers: MedGen C5882690, MONDO:0957780, OMIM 620504.
Epilepsy, familial focal, with variable foci 1 (FFEVF1). Also called: DEPDC5-Related Epilepsy. Identifiers: MedGen C4551983, MONDO:0024556, OMIM 604364.

Submissions (2):

CENTOGENE GmbH and LLC - Guiding Precision Medicine
Classification: Likely pathogenic for Epilepsy, familial focal, with variable foci 1. Review status: criteria provided, single submitter. Criteria: ACMG Guidelines, 2015. Collection method: clinical testing. Allele origin: germline. Affected: yes.

Juno Genomics, Hangzhou Juno Genomics, Inc
Classification: Uncertain significance for Developmental and epileptic encephalopathy 111; Epilepsy, familial focal, with variable foci 1. Review status: criteria provided, single submitter. Criteria: ACMG Guidelines, 2015. Collection method: clinical testing. Allele origin: germline.
Comment: Absent from controls (or at extremely low frequency if recessive) in Genome Aggregation Database.;Protein length changes due to in-frame deletions/insertions in a non-repeat region or stop-loss variants.

Literature cited by the submitters: PubMed 32860008 (cited by CENTOGENE GmbH and LLC - Guiding Precision Medicine).

NM_001242896.3(DEPDC5):c.3460TCC[1] (p.Ser1155del)

Gene: DEPDC5 (DEP domain containing 5, GATOR1 subcomplex subunit; plus strand). Cytogenetic location: 22q12.3.
Variant type: Microsatellite.
Coding change: c.3460TCC[1] on transcript NM_001242896.3 (MANE Select); one copy of the 3-base unit TCC starting at c.3460; the reference has two copies in a row; one copy, 3 bases deleted; also written c.3463_3465del.
Protein change: p.Ser1155del; deletes serine 1155.
Molecular consequence: inframe deletion. On other transcripts: non-coding transcript variant (5).
Genome position (GRCh38, 1-based): chr22:31,870,722-31,870,724, TCC deleted; deleting any 3 consecutive bases within chr22:31,870,718-31,870,724 gives the same sequence; the position shown is the placement nearest the transcript's 3' end. VCF-style (leftmost placement, unchanged base first): chr22-31870717-ACTC-A. GRCh37 (hg19) VCF-style: chr22-32266703-ACTC-A.
Other names: c.3463_3465del (NM_001242896.3); c.3433TCC[1], p.Ser1146del (NM_001136029.4); c.3160TCC[1], p.Ser1055del (NM_001242897.2); c.3394TCC[1], p.Ser1133del (NM_001363852.2, NM_001364320.2); c.3226TCC[1], p.Ser1077del (NM_001363854.2, NM_001364319.2); c.3460TCC[1], p.Ser1155del (NM_001364318.2); c.3376TCC[1], p.Ser1127del (NM_001369901.1, NM_001369902.1); c.3367TCC[1], p.Ser1124del (NM_001369903.1, NM_014662.6); short protein forms S1055del, S1077del, S1124del, S1127del, S1133del, S1146del, S1155del.
Identifiers: ClinVar variation 974832 (VCV000974832.3), dbSNP rs2092817019, ClinGen allele CA2401698700.